The following is an entry in ClinVar:

ClinVar aggregate classification (germline): Conflicting classifications of pathogenicity. Review status: criteria provided, conflicting classifications (1 of 4 stars). 2 submissions from 2 submitters: Likely pathogenic (1); Uncertain significance (1). Last evaluated 2022-11-22.

Conditions:
Early-infantile DEE. Also called: Early infantile epileptic encephalopathy with suppression bursts; Ohtahara syndrome; Early infantile epileptic encephalopathy. Identifiers: Orphanet 1934, MedGen C0393706, MONDO:0800491.

Allele frequency attached by ClinVar (database versions not stated): TOPMed below 0.00001; gnomAD 0.00001.
gnomAD v4.1: 1 of 1,610,856 alleles (0.000062%); highest among the groups gnomAD compares: Non-Finnish European, 0.000085%; no homozygotes.

Submissions (2):

Labcorp Genetics (formerly Invitae), Labcorp
Classification: Uncertain significance for Early-infantile DEE. Last evaluated: 2022-11-22. Review status: criteria provided, single submitter. Criteria: Invitae Variant Classification Sherloc (09022015). Collection method: clinical testing. Allele origin: germline.
Comment: ClinVar contains an entry for this variant (Variation ID: 449951). In summary, the available evidence is currently insufficient to determine the role of this variant in disease. Therefore, it has been classified as a Variant of Uncertain Significance. Variants that disrupt the consensus splice site are a relatively common cause of aberrant splicing (PMID: 17576681, 9536098). Algorithms developed to predict the effect of sequence changes on RNA splicing suggest that this variant may disrupt the consensus splice site. This variant has not been reported in the literature in individuals affected with KCNQ2-related conditions. This variant is not present in population databases (gnomAD no frequency). This sequence change falls in intron 14 of the KCNQ2 gene. It does not directly change the encoded amino acid sequence of the KCNQ2 protein. It affects a nucleotide within the consensus splice site.

GeneDx
Classification: Likely pathogenic. Last evaluated: 2017-04-20. Review status: criteria provided, single submitter. Criteria: GeneDx Variant Classification (06012015). Collection method: clinical testing. Allele origin: germline. Affected: yes.
Comment: A variant that is likely pathogenic has been identified in the KCNQ2 gene. The c.1631+5 G>A variant has not been published as a pathogenic variant, nor has it been reported as a benign variant to our knowledge. Several in-silico splice prediction models predict that c.1631+5 G>A destroys the natural splice donor site in intron 14 and is expected to cause to abnormal gene splicing. However, in the absence of RNA/functional studies, the actual effect of this sequence change in this individual is unknown. The c.1631+5 G>A variant is not observed in large population cohorts (Lek et al., 2016; 1000 Genomes Consortium et al., 2015; Exome Variant Server). Therefore, this variant is likely pathogenic; however, the possibility that it is benign cannot be excluded.

Literature cited by the submitters: PubMed 17576681 (cited by Labcorp Genetics (formerly Invitae), Labcorp); PubMed 9536098 (cited by Labcorp Genetics (formerly Invitae), Labcorp).

NM_172107.4(KCNQ2):c.1631+5G>A

Gene: KCNQ2 (potassium voltage-gated channel subfamily Q member 2; minus strand). Cytogenetic location: 20q13.33.
Variant type: single nucleotide variant.
Coding change: c.1631+5G>A on transcript NM_172107.4 (MANE Select); 5 bases into the intron after coding-DNA position 1631, G replaced by A.
Molecular consequence: intron variant.
Genome position (GRCh38, 1-based): chr20:63,414,083, C>T on the plus strand (G>A on the coding strand, the complement: KCNQ2 is on the minus strand). VCF-style: chr20-63414083-C-T. GRCh37 (hg19) VCF-style: chr20-62045436-C-T.
Other names: c.1547+5G>A (NM_004518.6); c.1538+5G>A (NM_172108.5); c.1577+5G>A (NM_172106.3).
Identifiers: ClinVar variation 449951 (VCV000449951.8), dbSNP rs1178354607, ClinGen allele CA658658883.